The following is an entry in ClinVar:

NM_015057.5(MYCBP2):c.1295G>C (p.Ser432Thr)

Gene: MYCBP2 (MYC binding protein 2; minus strand). Cytogenetic location: 13q22.3.
Variant type: single nucleotide variant.
Coding change: c.1295G>C on transcript NM_015057.5 (MANE Select); coding-DNA position 1295, G replaced by C.
Protein change: p.Ser432Thr; replaces serine 432 with threonine.
Molecular consequence: missense variant.
Genome position (GRCh38, 1-based): chr13:77,267,903, C>G on the plus strand (G>C on the coding strand, the complement: MYCBP2 is on the minus strand). VCF-style: chr13-77267903-C-G. GRCh37 (hg19) VCF-style: chr13-77842038-C-G.
Other names: short protein forms S432T.
Identifiers: ClinVar variation 3049691 (VCV003049691.2), dbSNP rs201140348, ClinGen allele CA7010516.

ClinVar aggregate classification (germline): Likely benign (0 of 4 stars; one submission).

Conditions:
MYCBP2-related disorder. Also called: MYCBP2-related condition.

Allele frequency attached by ClinVar (database versions not stated): gnomAD 0.00012; ESP Exome Variant Server 0.00015; TOPMed 0.00015; ExAC 0.00017.
gnomAD v4.1: 187 of 1,613,786 alleles (0.012%); highest among the groups gnomAD compares: Non-Finnish European, 0.0018%; 1 homozygote.

Submission:

PreventionGenetics, part of Exact Sciences
Classification: Likely benign for MYCBP2-related condition. Last evaluated: 2019-07-10. Review status: no assertion criteria provided. Collection method: clinical testing. Allele origin: germline.
Comment: This variant is classified as likely benign based on ACMG/AMP sequence variant interpretation guidelines (Richards et al. 2015 PMID: 25741868, with internal and published modifications).